The following is an entry in ClinVar:

ClinVar aggregate classification (germline): Pathogenic/Likely pathogenic. Review status: criteria provided, multiple submitters, no conflicts (2 of 4 stars). 3 submissions from 3 submitters: Pathogenic (1); Likely pathogenic (2). Last evaluated 2025-08-14.

Conditions:
Hypohidrotic X-linked ectodermal dysplasia (XHED). Also called: ECTODERMAL DYSPLASIA, HYPOHIDROTIC, 1; CST SYNDROME; ECTODERMAL DYSPLASIA 1; Christ-Siemans-Touraine syndrome; Ectodermal Dysplasia 1, Anhidrotic; ECTODERMAL DYSPLASIA 1, HYPOHIDROTIC, X-LINKED. Identifiers: Orphanet 181, Orphanet 238468, MedGen C0162359, MONDO:0010585, OMIM 305100.

Submissions (3):

Labcorp Genetics (formerly Invitae), Labcorp
Classification: Pathogenic for Hypohidrotic X-linked ectodermal dysplasia. Last evaluated: 2025-08-14. Review status: criteria provided, single submitter. Criteria: Invitae Variant Classification Sherloc (09022015). Collection method: clinical testing. Allele origin: germline.
Comment: This sequence change replaces glutamine, which is neutral and polar, with arginine, which is basic and polar, at codon 306 of the EDA protein (p.Gln306Arg). This variant is not present in population databases (gnomAD no frequency). This missense change has been observed in individual(s) with ectodermal dysplasia (PMID: 27264909). ClinVar contains an entry for this variant (Variation ID: 421976). Invitae Evidence Modeling of protein sequence and biophysical properties (such as structural, functional, and spatial information, amino acid conservation, physicochemical variation, residue mobility, and thermodynamic stability) has been performed for this missense variant. However, the output from this modeling did not meet the statistical confidence thresholds required to predict the impact of this variant on EDA protein function. This variant disrupts the p.Gln306 amino acid residue in EDA. Other variant(s) that disrupt this residue have been observed in individuals with EDA-related conditions (PMID: 12932274, 20077893), which suggests that this may be a clinically significant amino acid residue. For these reasons, this variant has been classified as Pathogenic.

3billion
Classification: Likely pathogenic for Hypohidrotic X-linked ectodermal dysplasia. Last evaluated: 2025-07-08. Review status: criteria provided, single submitter. Criteria: ACMG Guidelines, 2015. Collection method: clinical testing. Allele origin: germline. Affected: yes.
Comment: The variant is not observed in the gnomAD v4.1.0 dataset. Predicted Consequence/Location: Missense variant In silico tool predictions suggest damaging effect of the variant on gene or gene product [REVEL: 0.92 (>=0.6, sensitivity 0.68 and specificity 0.92); 3Cnet: 0.99 (> 0.75, sensitivity 0.96 and precision 0.92)]. The same nucleotide change resulting in the same amino acid change has been previously reported to be associated with EDA-related disorder (ClinVar ID: VCV000421976 /PMID: 27264909).The variant has been observed in at least two similarly affected unrelated individuals (PMID: 27264909, 33622384, 40781288). The variant has been reported to co-segregate with the disease in at least 3 similarly affected relatives/individuals in the same family or similarly affected unrelated families (PMID: 33622384). Different missense changes at the same codon (p.Gln306His, p.Gln306Lys, p.Gln306Pro) have been reported as pathogenic/likely pathogenic with strong evidence (ClinVar ID: VCV002138596, VCV004495877 /PMID: 12932274, 20077893, 33222196). Therefore, this variant is classified as Likely pathogenic according to the recommendation of ACMG/AMP guideline.

GeneDx
Classification: Likely pathogenic. Last evaluated: 2016-08-16. Review status: criteria provided, single submitter. Criteria: GeneDx Variant Classification (06012015). Collection method: clinical testing. Allele origin: germline. Affected: yes.
Comment: The Q306R variant in the EDA gene has been reported previously in an individual with ectodermal dysplasia (Miyake et al., 2016). The Q306R variant was not observed in approximately 6,500 individuals of European and African American ancestry in the NHLBI Exome Sequencing Project, indicating it is not a common benign variant in these populations. The Q306R variant is a semi-conservative amino acid substitution, which may impact secondary protein structure as these residues differ in some properties. This substitution occurs at a position that is conserved across species. In silico analysis predicts this variant is probably damaging to the protein structure/function. A missense variant in the same residue (Q306P) has been reported in association with hypohidrotic ectodermal dysplasia, and functional studies show this variant has an affect on cell proliferation and cell cycle distribution (Lei et al., 2009; Lei et al., 2016), supporting the functional importance of this residue. The Q306R variant is a strong candidate for a pathogenic variant, however the possibility it may be a rare benign variant cannot be excluded.

Literature cited by the submitters: PubMed 27264909 (cited by Labcorp Genetics (formerly Invitae), Labcorp and 3billion); PubMed 12932274 (cited by Labcorp Genetics (formerly Invitae), Labcorp and 3billion); PubMed 20077893 (cited by Labcorp Genetics (formerly Invitae), Labcorp); PubMed 40781288 (cited by 3billion); PubMed 33622384 (cited by 3billion).

NM_001399.5(EDA):c.917A>G (p.Gln306Arg)

Gene: EDA (ectodysplasin A; plus strand). Cytogenetic location: Xq13.1.
Variant type: single nucleotide variant.
Coding change: c.917A>G on transcript NM_001399.5 (MANE Select); coding-DNA position 917, A replaced by G.
Protein change: p.Gln306Arg; replaces glutamine 306 with arginine.
Molecular consequence: missense variant.
Genome position (GRCh38, 1-based): chrX:70,033,521, A>G. VCF-style: chrX-70033521-A-G. GRCh37 (hg19) VCF-style: chrX-69253371-A-G.
Other names: c.917A>G, p.Gln306Arg (NM_001005609.2); c.908A>G, p.Gln303Arg (NM_001005612.3); short protein forms Q306R, Q303R.
Identifiers: ClinVar variation 421976 (VCV000421976.4), dbSNP rs727503009, ClinGen allele CA16621474.